The following is an entry in ClinVar:

NM_018907.4(PCDHA4):c.417C>T (p.Asn139=)

Genes: PCDHA1 (protocadherin alpha 1; plus strand), PCDHA2 (protocadherin alpha 2; plus strand), PCDHA3 (protocadherin alpha 3; plus strand), PCDHA4 (protocadherin alpha 4; plus strand), PCDHA@ (protocadherin alpha cluster, complex locus; plus strand). Cytogenetic location: 5q31.3.
Variant type: single nucleotide variant.
Coding change: c.417C>T on transcript NM_018907.4 (MANE Select); coding-DNA position 417, C replaced by T.
Protein change: p.Asn139=; no amino-acid change (asparagine 139 retained).
Molecular consequence: synonymous variant. On other transcripts: intron variant (4).
Genome position (GRCh38, 1-based): chr5:140,807,604, C>T. VCF-style: chr5-140807604-C-T. GRCh37 (hg19) VCF-style: chr5-140187189-C-T.
Other names: c.417C>T, p.Asn139= (NM_031500.3); c.2394+18920C>T (NM_018900.4); c.1602+19712C>T (NM_031411.3); c.2388+10252C>T (NM_018905.3); c.2394+4013C>T (NM_018906.3).
Identifiers: ClinVar variation 2655754 (VCV002655754.24), dbSNP rs533567659, ClinGen allele CA3446966.

ClinVar aggregate classification (germline): Likely benign (1 of 4 stars; one submission).

Allele frequency attached by ClinVar (database versions not stated): gnomAD exomes 0.00009; ExAC 0.00036; 1000 Genomes Project 0.00060; 1000 Genomes Project 30x 0.00062.

Submission:

CeGaT Center for Human Genetics Tuebingen
Classification: Likely benign. Last evaluated: 2025-10-01. Review status: criteria provided, single submitter. Criteria: CeGaT Center For Human Genetics Tuebingen Variant Classification Criteria Version 2. Collection method: clinical testing. Allele origin: germline. Affected: yes. Observed: 3 variant alleles.
Comment: PCDHA4: BP4, BP7